The following is an entry in ClinVar:

NM_006907.4(PYCR1):c.770C>T (p.Ala257Val)

Gene: PYCR1 (pyrroline-5-carboxylate reductase 1; minus strand). Cytogenetic location: 17q25.3.
Variant type: single nucleotide variant.
Coding change: c.770C>T on transcript NM_006907.4 (MANE Select); coding-DNA position 770, C replaced by T.
Protein change: p.Ala257Val; replaces alanine 257 with valine.
Molecular consequence: missense variant. On other transcripts: intron variant (1).
Genome position (GRCh38, 1-based): chr17:81,934,353, G>A on the plus strand (C>T on the coding strand, the complement: PYCR1 is on the minus strand). VCF-style: chr17-81934353-G-A. GRCh37 (hg19) VCF-style: chr17-79892229-G-A.
Other names: c.677C>T, p.Ala226Val (NM_001282279.2); c.770C>T, p.Ala257Val (NM_001282280.2, NM_153824.3); c.851C>T, p.Ala284Val (NM_001282281.2); c.633+300C>T (NM_001330523.2); short protein forms A226V, A257V, A284V.
Identifiers: ClinVar variation 2572397 (VCV002572397.1), dbSNP rs763044235, ClinGen allele CA8845324.
Genomic context (GRCh38, chr17:81,934,353, plus strand): 5'-GAGACCAGGGAAGCGGGCAGCGCGGGGGCCCACCGTGTGCGGATGCAGGAGGCCTCCACA[G>A]CGTTGATGAGCAGGGAGCGGAAGCCCCCACTCTCCAGCACATGCAAGGCATGGATGGTGG-3'
Protein context (NP_008838.2, residues 247-267): SGGFRSLLIN[Ala257Val]VEASCIRTRE

ClinVar aggregate classification (germline): Uncertain significance (1 of 4 stars; one submission).

Conditions:
PYCR1-related de Barsy syndrome. Also called: CUTIS LAXA, AUTOSOMAL RECESSIVE, TYPE IIIB; DE BARSY SYNDROME B. Identifiers: Orphanet 293633, Orphanet 2962, MedGen C3280799, MONDO:0013755, OMIM 614438.

Allele frequency attached by ClinVar (database versions not stated): gnomAD exomes below 0.00001; ExAC 0.00001.

Submission:

3billion
Classification: Uncertain significance for PYCR1-related de Barsy syndrome. Review status: criteria provided, single submitter. Criteria: ACMG Guidelines, 2015. Collection method: clinical testing. Allele origin: unknown. Affected: yes. Observed: 1 heterozygote.
Comment: The variant is observed at an extremely low frequency in the gnomAD v2.1.1 dataset (total allele frequency: <0.001%). In silico tool predictions suggest damaging effect of the variant on gene or gene product (REVEL: 0.85; 3Cnet: 0.93). A different missense change at the same codon (p.Ala257Thr) has been reported to be associated with PYCR1 related disorder (ClinVar ID: VCV000029863 / PMID: 19648921). However the evidence of pathogenicity is insufficient at this time. Therefore, this variant is classified as Uncertain significance according to the recommendation of ACMG/AMP guideline.

Literature cited by the submitters: PubMed 19648921.